The following is an entry in ClinVar:

NM_006946.4(SPTBN2):c.1366G>A (p.Glu456Lys)

Gene: SPTBN2 (spectrin beta, non-erythrocytic 2; minus strand). Cytogenetic location: 11q13.2.
Variant type: single nucleotide variant.
Coding change: c.1366G>A on transcript NM_006946.4 (MANE Select); coding-DNA position 1366, G replaced by A.
Protein change: p.Glu456Lys; replaces glutamic acid 456 with lysine.
Molecular consequence: missense variant.
Genome position (GRCh38, 1-based): chr11:66,707,803, C>T on the plus strand (G>A on the coding strand, the complement: SPTBN2 is on the minus strand). VCF-style: chr11-66707803-C-T. GRCh37 (hg19) VCF-style: chr11-66475274-C-T.
Other names: c.1387G>A, p.Glu463Lys (NM_001411025.1); short protein forms E456K, E463K.
Identifiers: ClinVar variation 1999985 (VCV001999985.4), dbSNP rs2496360181, ClinGen allele CA381480961.

ClinVar aggregate classification (germline): Uncertain significance (1 of 4 stars; one submission).

Submission:

Labcorp Genetics (formerly Invitae), Labcorp
Classification: Uncertain significance. Last evaluated: 2023-05-22. Review status: criteria provided, single submitter. Criteria: Invitae Variant Classification Sherloc (09022015). Collection method: clinical testing. Allele origin: germline.
Comment: In summary, the available evidence is currently insufficient to determine the role of this variant in disease. Therefore, it has been classified as a Variant of Uncertain Significance. Advanced modeling of protein sequence and biophysical properties (such as structural, functional, and spatial information, amino acid conservation, physicochemical variation, residue mobility, and thermodynamic stability) performed at Invitae indicates that this missense variant is expected to disrupt SPTBN2 protein function. ClinVar contains an entry for this variant (Variation ID: 1999985). This variant has not been reported in the literature in individuals affected with SPTBN2-related conditions. This variant is not present in population databases (gnomAD no frequency). This sequence change replaces glutamic acid, which is acidic and polar, with lysine, which is basic and polar, at codon 456 of the SPTBN2 protein (p.Glu456Lys).